The following is an entry in ClinVar:

ClinVar aggregate classification (germline): Conflicting classifications of pathogenicity. Review status: criteria provided, conflicting classifications (1 of 4 stars). 6 submissions from 6 submitters: Uncertain significance (1); Likely benign (3). 2 of the submissions do not count toward it. Last evaluated 2026-04-14.

Conditions:
ABCB11-related disorder. Also called: ABCB11-related condition.
Familial intrahepatic cholestasis. Identifiers: Orphanet 284385, MedGen CN296401, MONDO:0017290.
Progressive familial intrahepatic cholestasis type 2. Identifiers: Orphanet 79304, MedGen C3489789, MONDO:0011156, OMIM 601847.

Allele frequency attached by ClinVar (database versions not stated): TOPMed 0.00015; 1000 Genomes Project 0.00100; 1000 Genomes Project 30x 0.00109.

Submissions (6):

Genomenon, Inc
Classification: Likely benign for Familial intrahepatic cholestasis. Last evaluated: 2026-04-14. Review status: criteria provided, single submitter. Criteria: Genomenon Sequence Variant Interpretation Standards - Updated. Collection method: curation. Allele origin: germline. Affected: no.
Comment: ABCB11 p.Arg299Lys (c.896G>A) is a missense variant that changes the amino acid at residue 299 from Arginine to Lysine. This variant has been reported in the published literature (PMID:25323205;30431138;22795478;16763017;19571440). In silico models predict that this variant is not damaging. This variant's allele frequency in gnomAD is greater than expected for this disorder. In conclusion, we classify ABCB11 p.Arg299Lys (c.896G>A) as a likely benign variant.

Labcorp Genetics (formerly Invitae), Labcorp
Classification: Likely benign. Last evaluated: 2026-01-21. Review status: criteria provided, single submitter. Criteria: Invitae Variant Classification Sherloc (09022015). Collection method: clinical testing. Allele origin: germline.

Eurofins Ntd Llc (ga)
Classification: Uncertain significance. Last evaluated: 2017-11-09. Review status: criteria provided, single submitter. Criteria: EGL Classification Definitions 2015. Collection method: clinical testing. Allele origin: germline. Observed: 1 variant allele, 1 heterozygote.

Illumina Laboratory Services, Illumina
Classification: Likely benign for Progressive familial intrahepatic cholestasis type 2. Last evaluated: 2017-04-27. Review status: criteria provided, single submitter. Criteria: ICSL Variant Classification Criteria 13 December 2019. Collection method: clinical testing. Allele origin: germline.
Comment: This variant was observed as part of a predisposition screen in an ostensibly healthy population. A literature search was performed for the gene, cDNA change, and amino acid change (where applicable). Publications were found based on this search. The evidence from the literature, in combination with allele frequency data from public databases where available, was sufficient to determine this variant is unlikely to cause disease. Therefore, this variant is classified as likely benign.

PreventionGenetics, part of Exact Sciences
Classification: Likely benign for ABCB11-related condition. Last evaluated: 2023-05-22. Review status: no assertion criteria provided. Collection method: clinical testing. Allele origin: germline. Not counted in ClinVar's aggregate classification.
Comment: This variant is classified as likely benign based on ACMG/AMP sequence variant interpretation guidelines (Richards et al. 2015 PMID: 25741868, with internal and published modifications).

Natera, Inc.
Classification: Likely benign for Progressive familial intrahepatic cholestasis type 2. Last evaluated: 2020-07-27. Review status: no assertion criteria provided. Collection method: clinical testing. Allele origin: germline. Not counted in ClinVar's aggregate classification.

Literature cited by the submitters: PubMed 25323205 (cited by Genomenon, Inc); PubMed 30431138 (cited by Genomenon, Inc); PubMed 22795478 (cited by Genomenon, Inc); PubMed 16763017 (cited by Genomenon, Inc and Illumina Laboratory Services, Illumina); PubMed 19571440 (cited by Genomenon, Inc and Illumina Laboratory Services, Illumina).

NM_003742.4(ABCB11):c.896G>A (p.Arg299Lys)

Gene: ABCB11 (ATP binding cassette subfamily B member 11; minus strand). Cytogenetic location: 2q31.1.
Variant type: single nucleotide variant.
Coding change: c.896G>A on transcript NM_003742.4 (MANE Select); coding-DNA position 896, G replaced by A.
Protein change: p.Arg299Lys; replaces arginine 299 with lysine.
Molecular consequence: missense variant.
Genome position (GRCh38, 1-based): chr2:168,990,813, C>T on the plus strand (G>A on the coding strand, the complement: ABCB11 is on the minus strand). VCF-style: chr2-168990813-C-T. GRCh37 (hg19) VCF-style: chr2-169847323-C-T.
Other names: c.896G>A, p.Arg299Lys (LRG_1199t1); short protein forms R299K.
Identifiers: ClinVar variation 594929 (VCV000594929.26), dbSNP rs2287617, ClinGen allele CA1951774.
Genomic context (GRCh38, chr2:168,990,813, plus strand): 5'-ATGCTGATTGATGAAATTAAGGAAAGAATCAGATTCCAATTAACCAACCTTTCAACCTCT[C>T]TTTTCTCACCACCAAAAGCAGCCACTGTTCTCATTGATGAAATGACTTCATCAGCCACCA-3'
Protein context (NP_003733.2, residues 289-309): RTVAAFGGEK[Arg299Lys]EVERYEKNLV